The following is an entry in ClinVar:

ClinVar aggregate classification (germline): Uncertain significance (1 of 4 stars; one submission).

Conditions:
Acquired polycythemia vera. Also called: POLYCYTHEMIA RUBRA VERA; Suspected polycythemia vera; Polycythemia vera, somatic. Identifiers: Orphanet 729, MedGen C0032463, MeSH D011087, MONDO:0009891, OMIM 263300.
Primary familial polycythemia due to EPO receptor mutation. Also called: POLYCYTHEMIA, PRIMARY FAMILIAL AND CONGENITAL; Erythrocytosis, familial, 1; Primary Familial Congenital Polycythemia; ERYTHROCYTOSIS, SOMATIC. Identifiers: Orphanet 90042, MedGen C4551637, MONDO:0007572, OMIM 133100.
Acute myeloid leukemia (AML). Also called: Leukemia, acute myeloid, somatic; Acute myeloid leukemia, adult; AML adult; Acute non-lymphocytic leukemia; Acute granulocytic leukemia; Leukemia, acute myelogenous, somatic. Identifiers: Orphanet 519, MedGen C0023467, MeSH D015470, MONDO:0018874, OMIM 601626, HP:0004808. Disease mechanism: Constitutively activated FLT3.
Primary myelofibrosis. Also called: Myelofibrosis, somatic. Identifiers: Orphanet 824, MedGen C0001815, MeSH D055728, MONDO:0009692, OMIM 254450.
Thrombocythemia 3 (THCYT3). Also called: THROMBOCYTOSIS 3; THROMBOCYTHEMIA 3, SOMATIC. Identifiers: MedGen C3281125, MONDO:0013794, OMIM 614521.
Budd-Chiari syndrome (BDCHS). Also called: Hepatic vein obstruction. Identifiers: Orphanet 131, MedGen C0856761, MONDO:0010947, OMIM 600880, HP:0002639.

Submission:

Juno Genomics, Hangzhou Juno Genomics, Inc
Classification: Uncertain significance for Budd-Chiari syndrome; Primary familial polycythemia due to EPO receptor mutation; Acute myeloid leukemia; Primary myelofibrosis; Acquired polycythemia vera; Thrombocythemia 3. Review status: criteria provided, single submitter. Criteria: ACMG Guidelines, 2015. Collection method: clinical testing. Allele origin: germline.
Comment: Absent from controls (or at extremely low frequency if recessive) in Genome Aggregation Database.;Multiple lines of computational evidence support a deleterious effect on the gene or gene product.

NM_004972.4(JAK2):c.428C>T (p.Pro143Leu)

Genes: INSL6 (insulin like 6; minus strand), JAK2 (Janus kinase 2; plus strand). Cytogenetic location: 9p24.1.
Variant type: single nucleotide variant.
Coding change: c.428C>T on transcript NM_004972.4 (MANE Select); coding-DNA position 428, C replaced by T.
Protein change: p.Pro143Leu; replaces proline 143 with leucine.
Molecular consequence: missense variant. On other transcripts: 5 prime UTR variant (3), non-coding transcript variant (2).
Genome position (GRCh38, 1-based): chr9:5,044,480, C>T. VCF-style: chr9-5044480-C-T. GRCh37 (hg19) VCF-style: chr9-5044480-C-T.
Other names: c.428C>T, p.Pro143Leu (NM_001322194.2, NM_001322195.2, NM_001322196.2); c.-693C>T (NM_001322198.2, NM_001322199.2); c.-20C>T (NM_001322204.2); short protein forms P143L.
Identifiers: ClinVar variation 5007452 (VCV005007452.2).
Genomic context (GRCh38, chr9:5,044,480, plus strand): 5'-GGTATTGCAGTGGCAGCAACAGAGCCTATCGGCATGGAATATCTCGAGGTGCTGAAGCTC[C>T]TCTTCTTGATGACTTTGTCATGTCTTACCTCTTTGCTCAGGTATGATTATATTATCTTAC-3'
Protein context (NP_004963.1, residues 133-153): RHGISRGAEA[Pro143Leu]LLDDFVMSYL